The following is an entry in ClinVar:

NM_001163435.3(TBCK):c.1481A>T (p.Asp494Val)

Gene: TBCK (TBC1 domain containing kinase; minus strand). Cytogenetic location: 4q24.
Variant type: single nucleotide variant.
Coding change: c.1481A>T on transcript NM_001163435.3 (MANE Select); coding-DNA position 1481, A replaced by T.
Protein change: p.Asp494Val; replaces aspartic acid 494 with valine.
Molecular consequence: missense variant.
Genome position (GRCh38, 1-based): chr4:106,233,619, T>A on the plus strand (A>T on the coding strand, the complement: TBCK is on the minus strand). VCF-style: chr4-106233619-T-A. GRCh37 (hg19) VCF-style: chr4-107154776-T-A.
Other names: c.1481A>T, p.Asp494Val (NM_001163436.4); c.1364A>T, p.Asp455Val (NM_001163437.3); c.965A>T, p.Asp322Val (NM_001290768.2); c.1292A>T, p.Asp431Val (NM_033115.5); short protein forms D322V, D455V, D431V, D494V.
Identifiers: ClinVar variation 2050567 (VCV002050567.4), dbSNP rs1759120470, ClinGen allele CA357822805.

ClinVar aggregate classification (germline): Uncertain significance (1 of 4 stars; one submission).

Allele frequency attached by ClinVar (database versions not stated): gnomAD exomes 0.00001.
gnomAD v4.1: 12 of 1,611,392 alleles (0.00074%); highest among the groups gnomAD compares: Non-Finnish European, 0.001%; no homozygotes.

Submission:

Labcorp Genetics (formerly Invitae), Labcorp
Classification: Uncertain significance. Last evaluated: 2022-03-15. Review status: criteria provided, single submitter. Criteria: Invitae Variant Classification Sherloc (09022015). Collection method: clinical testing. Allele origin: germline.
Comment: This variant has not been reported in the literature in individuals affected with TBCK-related conditions. This sequence change replaces aspartic acid, which is acidic and polar, with valine, which is neutral and non-polar, at codon 494 of the TBCK protein (p.Asp494Val). This variant is not present in population databases (gnomAD no frequency). Algorithms developed to predict the effect of missense changes on protein structure and function are either unavailable or do not agree on the potential impact of this missense change (SIFT: "Deleterious"; PolyPhen-2: "Probably Damaging"; Align-GVGD: "Class C15"). In summary, the available evidence is currently insufficient to determine the role of this variant in disease. Therefore, it has been classified as a Variant of Uncertain Significance.